The following is an entry in ClinVar:

ClinVar aggregate classification (germline): Uncertain significance (1 of 4 stars; one submission).

Conditions:
Familial adenomatous polyposis 1 (FAP1). Also called: FAMILIAL ADENOMATOUS POLYPOSIS 1, ATTENUATED; POLYPOSIS, ADENOMATOUS INTESTINAL. Identifiers: MedGen C2713442, MONDO:0021056, OMIM 175100. Disease mechanism: loss of function.

Submission:

Labcorp Genetics (formerly Invitae), Labcorp
Classification: Uncertain significance for Familial adenomatous polyposis 1. Last evaluated: 2025-01-20. Review status: criteria provided, single submitter. Criteria: Invitae Variant Classification Sherloc (09022015). Collection method: clinical testing. Allele origin: germline.
Comment: This variant occurs in a non-coding region of the APC gene. It does not change the encoded amino acid sequence of the APC protein. This variant is not present in population databases (gnomAD no frequency). This variant has not been reported in the literature in individuals affected with APC-related conditions. ClinVar contains an entry for this variant (Variation ID: 469888). Experimental studies and prediction algorithms are not available or were not evaluated, and the functional significance of this variant is currently unknown. In summary, the available evidence is currently insufficient to determine the role of this variant in disease. Therefore, it has been classified as a Variant of Uncertain Significance.

NC_000005.10:g.112707384G>A

Gene: APC (APC regulator of Wnt signaling pathway; plus strand). Cytogenetic location: 5q22.2.
Variant type: single nucleotide variant.
Genome position: GRCh38 VCF-style: chr5-112707384-G-A. GRCh37 (hg19) VCF-style: chr5-112043081-G-A.
Identifiers: ClinVar variation 469888 (VCV000469888.9), dbSNP rs1554060128, ClinGen allele CA658655870.